The following is an entry in ClinVar:

ClinVar aggregate classification (germline): Likely benign. Review status: criteria provided, multiple submitters, no conflicts (2 of 4 stars). 4 submissions from 4 submitters: Likely benign (3). 1 of the submissions does not count toward it. Last evaluated 2023-05-23.

Conditions:
INVS-related disorder. Also called: INVS-related condition.
Nephronophthisis. Also called: Juvenile Nephronophthisis. Identifiers: Orphanet 655, MedGen C0687120, MONDO:0019005, HP:0000090.

Allele frequency attached by ClinVar (database versions not stated): gnomAD exomes below 0.00001 and 0.00001; TOPMed below 0.00001; ExAC 0.00001; gnomAD 0.00001.
gnomAD v4.1: 12 of 1,613,896 alleles (0.00074%); highest among the groups gnomAD compares: African/African-American, 0.008%; no homozygotes.

Submissions (4):

Labcorp Genetics (formerly Invitae), Labcorp
Classification: Likely benign for Nephronophthisis. Last evaluated: 2023-05-23. Review status: criteria provided, single submitter. Criteria: Invitae Variant Classification Sherloc (09022015). Collection method: clinical testing. Allele origin: germline.

Blueprint Genetics
Classification: Likely benign. Last evaluated: 2021-02-16. Review status: criteria provided, single submitter. Criteria: ACMG Guidelines, 2015. Collection method: clinical testing. Allele origin: germline.

Breakthrough Genomics
Classification: Likely benign. Review status: criteria provided, single submitter. Criteria: ACMG Guidelines, 2015. Collection method: not provided. Allele origin: germline. Inheritance: Autosomal recessive inheritance. Affected: yes.

PreventionGenetics, part of Exact Sciences
Classification: Likely benign for INVS-related condition. Last evaluated: 2021-07-19. Review status: no assertion criteria provided. Collection method: clinical testing. Allele origin: germline. Not counted in ClinVar's aggregate classification.
Comment: This variant is classified as likely benign based on ACMG/AMP sequence variant interpretation guidelines (Richards et al. 2015 PMID: 25741868, with internal and published modifications).

NM_014425.5(INVS):c.1024C>T (p.Leu342=)

Gene: INVS (inversin; plus strand). Cytogenetic location: 9q31.1.
Variant type: single nucleotide variant.
Coding change: c.1024C>T on transcript NM_014425.5 (MANE Select); coding-DNA position 1024, C replaced by T.
Protein change: p.Leu342=; no amino-acid change (leucine 342 retained).
Molecular consequence: synonymous variant. On other transcripts: non-coding transcript variant (1).
Genome position (GRCh38, 1-based): chr9:100,246,733, C>T. VCF-style: chr9-100246733-C-T. GRCh37 (hg19) VCF-style: chr9-103009015-C-T.
Other names: c.736C>T, p.Leu246= (NM_001318381.2); c.46C>T, p.Leu16= (NM_001318382.2); c.1024C>T (NM_014425.4).
Identifiers: ClinVar variation 1088735 (VCV001088735.13), dbSNP rs761575712, ClinGen allele CA5158306.